The following is an entry in ClinVar:

ClinVar aggregate classification (germline): Pathogenic. Review status: criteria provided, single submitter (1 of 4 stars). 2 submissions from 2 submitters: Pathogenic (1). 1 of the submissions does not count toward it. Last evaluated 2022-09-06.

Conditions:
Autosomal recessive retinitis pigmentosa. Identifiers: MedGen C0339526.

Submissions (2):

Labcorp Genetics (formerly Invitae), Labcorp
Classification: Pathogenic. Last evaluated: 2022-09-06. Review status: criteria provided, single submitter. Criteria: Invitae Variant Classification Sherloc (09022015). Collection method: clinical testing. Allele origin: germline.
Comment: This sequence change creates a premature translational stop signal (p.Gln64Thrfs*9) in the IMPG2 gene. It is expected to result in an absent or disrupted protein product. Loss-of-function variants in IMPG2 are known to be pathogenic (PMID: 20673862). For these reasons, this variant has been classified as Pathogenic. ClinVar contains an entry for this variant (Variation ID: 978976). This premature translational stop signal has been observed in individual(s) with clinical features of inherited retinal disease (PMID: 31264916). This variant is not present in population databases (gnomAD no frequency).

Faculty of Health Sciences, Beirut Arab University
Classification: Pathogenic for Autosomal recessive Retinitis Pigmentosa. Last evaluated: 2019-07-02. Review status: no assertion criteria provided. Collection method: literature only. Allele origin: germline. Affected: yes. Observed: 5 variant alleles. Not counted in ClinVar's aggregate classification.

Literature cited by the submitters: PubMed 20673862 (cited by Labcorp Genetics (formerly Invitae), Labcorp); PubMed 31264916 (cited by Labcorp Genetics (formerly Invitae), Labcorp and Faculty of Health Sciences, Beirut Arab University).

NM_016247.4(IMPG2):c.189dup (p.Gln64fs)

Gene: IMPG2 (interphotoreceptor matrix proteoglycan 2; minus strand). Cytogenetic location: 3q12.3.
Variant type: Duplication.
Coding change: c.189dup on transcript NM_016247.4 (MANE Select); coding-DNA position 189, one base duplicated (A; older notation c.189dupA).
Protein change: p.Gln64fs; shifts the reading frame from glutamine 64.
Molecular consequence: frameshift variant.
Genome position (GRCh38, 1-based): chr3:101,319,729, T duplicated on the plus strand (A on the coding strand, the reverse complement: IMPG2 is on the minus strand); the first of 3 consecutive T bases (chr3:101,319,729-101,319,731); duplicating any one gives the same sequence. VCF-style (leftmost placement, unchanged base first): chr3-101319728-G-GT. GRCh37 (hg19) VCF-style: chr3-101038572-G-GT.
Other names: short protein forms Q64fs.
Identifiers: ClinVar variation 978976 (VCV000978976.8), dbSNP rs2058802149, ClinGen allele CA1139658205.